The following is an entry in ClinVar:

ClinVar aggregate classification (germline): Uncertain significance (1 of 4 stars; one submission).

Conditions:
Noonan syndrome 8 (NS8). Identifiers: Orphanet 648, MedGen C3809233, MONDO:0014143, OMIM 615355.

Allele frequency attached by ClinVar (database versions not stated): TOPMed below 0.00001; gnomAD 0.00001.
gnomAD v4.1: 1 of 1,614,050 alleles (0.000062%); highest among the groups gnomAD compares: Non-Finnish European, 0.000085%; no homozygotes.

Submission:

Labcorp Genetics (formerly Invitae), Labcorp
Classification: Uncertain significance for Noonan syndrome 8. Last evaluated: 2023-03-09. Review status: criteria provided, single submitter. Criteria: Invitae Variant Classification Sherloc (09022015). Collection method: clinical testing. Allele origin: germline.
Comment: In summary, the available evidence is currently insufficient to determine the role of this variant in disease. Therefore, it has been classified as a Variant of Uncertain Significance. Advanced modeling of protein sequence and biophysical properties (such as structural, functional, and spatial information, amino acid conservation, physicochemical variation, residue mobility, and thermodynamic stability) performed at Invitae indicates that this missense variant is not expected to disrupt RIT1 protein function. This variant has not been reported in the literature in individuals affected with RIT1-related conditions. This variant is not present in population databases (gnomAD no frequency). This sequence change replaces tyrosine, which is neutral and polar, with asparagine, which is neutral and polar, at codon 169 of the RIT1 protein (p.Tyr169Asn).

NM_006912.6(RIT1):c.505T>A (p.Tyr169Asn)

Gene: RIT1 (Ras like without CAAX 1; minus strand). Cytogenetic location: 1q22.
Variant type: single nucleotide variant.
Coding change: c.505T>A on transcript NM_006912.6 (MANE Select); coding-DNA position 505, T replaced by A.
Protein change: p.Tyr169Asn; replaces tyrosine 169 with asparagine.
Molecular consequence: missense variant.
Genome position (GRCh38, 1-based): chr1:155,900,543, A>T on the plus strand (T>A on the coding strand, the complement: RIT1 is on the minus strand). VCF-style: chr1-155900543-A-T. GRCh37 (hg19) VCF-style: chr1-155870334-A-T.
Other names: c.397T>A, p.Tyr133Asn (NM_001256820.2); c.556T>A, p.Tyr186Asn (NM_001256821.2); short protein forms Y169N, Y186N, Y133N.
Identifiers: ClinVar variation 2983165 (VCV002983165.3), dbSNP rs1673292525, ClinGen allele CA342801409.